The following is an entry in ClinVar:

NM_005045.4(RELN):c.7282C>T (p.Arg2428Trp)

Gene: RELN (reelin; minus strand). Cytogenetic location: 7q22.1.
Variant type: single nucleotide variant.
Coding change: c.7282C>T on transcript NM_005045.4 (MANE Select); coding-DNA position 7282, C replaced by T.
Protein change: p.Arg2428Trp; replaces arginine 2428 with tryptophan.
Molecular consequence: missense variant.
Genome position (GRCh38, 1-based): chr7:103,535,383, G>A on the plus strand (C>T on the coding strand, the complement: RELN is on the minus strand). VCF-style: chr7-103535383-G-A. GRCh37 (hg19) VCF-style: chr7-103175830-G-A.
Other names: c.7282C>T, p.Arg2428Trp (NM_173054.3); short protein forms R2428W.
Identifiers: ClinVar variation 1415002 (VCV001415002.9), dbSNP rs751431158, ClinGen allele CA4420768.

ClinVar aggregate classification (germline): Conflicting classifications of pathogenicity. Review status: criteria provided, conflicting classifications (1 of 4 stars). 3 submissions from 3 submitters: Uncertain significance (2); Likely benign (1). Last evaluated 2024-11-13.

Conditions:
Familial temporal lobe epilepsy 7. Identifiers: Orphanet 101046, MedGen C4225327, MONDO:0014639, OMIM 616436.
Norman-Roberts syndrome (LIS2). Also called: Lissencephaly 2 (Norman-Roberts type). Identifiers: Orphanet 89844, MedGen C0796089, MONDO:0009760, OMIM 257320.

Allele frequency attached by ClinVar (database versions not stated): gnomAD exomes below 0.00001 and 0.00001; ExAC 0.00001; gnomAD 0.00002; TOPMed 0.00003.
gnomAD v4.1: 10 of 1,613,922 alleles (0.00062%); highest among the groups gnomAD compares: African/African-American, 0.0027%; no homozygotes.

Submissions (3):

Women's Health and Genetics/Laboratory Corporation of America, LabCorp
Classification: Uncertain significance. Last evaluated: 2024-11-13. Review status: criteria provided, single submitter. Criteria: LabCorp Variant Classification Summary - May 2015. Collection method: clinical testing. Allele origin: germline.
Comment: Variant summary: RELN c.7282C>T (p.Arg2428Trp) results in a non-conservative amino acid change located in the N-terminal subrepeat of tandem repeat unit 6 of reelin and related proteins of the encoded protein sequence. Three of four in-silico tools predict a damaging effect of the variant on protein function. The variant allele was found at a frequency of 8e-06 in 251288 control chromosomes. The available data on variant occurrences in the general population are insufficient to allow any conclusion about variant significance. To our knowledge, no occurrence of c.7282C>T in individuals affected with Epilepsy Familial Temporal Lobe 7 and no experimental evidence demonstrating its impact on protein function have been reported. ClinVar contains an entry for this variant (Variation ID: 1415002). Based on the evidence outlined above, the variant was classified as uncertain significance.

Labcorp Genetics (formerly Invitae), Labcorp
Classification: Likely benign for Familial temporal lobe epilepsy 7; Norman-Roberts syndrome. Last evaluated: 2024-05-28. Review status: criteria provided, single submitter. Criteria: Invitae Variant Classification Sherloc (09022015). Collection method: clinical testing. Allele origin: germline.

Genomic Medicine Center of Excellence, King Faisal Specialist Hospital and Research Centre
Classification: Uncertain significance for Norman-Roberts syndrome. Last evaluated: 2024-03-25. Review status: criteria provided, single submitter. Criteria: ACMG Guidelines, 2015. Collection method: research. Allele origin: germline.